The following is an entry in ClinVar:

ClinVar aggregate classification (germline): Benign/Likely benign. Review status: criteria provided, multiple submitters, no conflicts (2 of 4 stars). 11 submissions from 11 submitters: Benign (5); Likely benign (2). 4 of the submissions do not count toward it. Last evaluated 2026-01-30.

Conditions:
Cowden syndrome (CS). Also called: Cowden's disease; Cowden's syndrome; Cowden disease. Identifiers: Orphanet 201, MedGen C0018553, MONDO:0016063. Disease mechanism: gain of function.
Cowden syndrome 5 (CWS5). Identifiers: Orphanet 201, MedGen C3554518, MONDO:0014047, OMIM 615108.

Allele frequency attached by ClinVar (database versions not stated): gnomAD exomes 0.01237 and 0.02053; gnomAD 0.01239 and 0.01569; ExAC 0.02331; 1000 Genomes Project 0.04073; ESP Exome Variant Server 0.01167; TOPMed 0.01330; 1000 Genomes Project 30x 0.04122.
gnomAD v4.1: 20,489 of 1,613,582 alleles (1.3%); highest among the groups gnomAD compares: South Asian, 13%; 989 homozygotes.

Submissions (11):

Labcorp Genetics (formerly Invitae), Labcorp
Classification: Benign for Cowden syndrome. Last evaluated: 2026-01-30. Review status: criteria provided, single submitter. Criteria: Invitae Variant Classification Sherloc (09022015). Collection method: clinical testing. Allele origin: germline.

Blueprint Genetics
Classification: Benign. Last evaluated: 2024-11-26. Review status: criteria provided, single submitter. Criteria: ACMG Guidelines, 2015. Collection method: clinical testing. Allele origin: germline.

KCCC/NGS Laboratory, Kuwait Cancer Control Center
Classification: Benign for Cowden syndrome 5. Last evaluated: 2023-07-07. Review status: criteria provided, single submitter. Criteria: ACMG Guidelines, 2015. Collection method: clinical testing. Allele origin: germline. Affected: yes.

GeneDx
Classification: Benign. Last evaluated: 2018-08-07. Review status: criteria provided, single submitter. Criteria: GeneDx Variant Classification Process June 2021. Collection method: clinical testing. Allele origin: germline. Affected: yes.
Comment: This variant is associated with the following publications: (PMID: 23982433)

Laboratory for Molecular Medicine, Mass General Brigham Personalized Medicine
Classification: Likely benign. Last evaluated: 2012-07-31. Review status: criteria provided, single submitter. Criteria: LMM Criteria. Collection method: clinical testing. Allele origin: germline. Observed: 5 variant alleles.
Comment: As it is therefore not a somatic change it is less likely to play a role in tumorigenesis.

Breakthrough Genomics
Classification: Likely benign. Review status: criteria provided, single submitter. Criteria: ACMG Guidelines, 2015. Collection method: not provided. Allele origin: germline. Inheritance: Autosomal dominant inheritance. Affected: yes.

PreventionGenetics, part of Exact Sciences
Classification: Benign. Review status: criteria provided, single submitter. Criteria: ACMG Guidelines, 2015. Collection method: clinical testing. Allele origin: germline.

Clinical Genetics DNA and cytogenetics Diagnostics Lab, Erasmus MC, Erasmus Medical Center
Classification: Likely benign. Review status: no assertion criteria provided. Collection method: clinical testing. Allele origin: germline. Affected: yes. Study: VKGL Data-share Consensus. Not counted in ClinVar's aggregate classification.

Clinical Genetics, Academic Medical Center
Classification: Likely benign. Review status: no assertion criteria provided. Collection method: clinical testing. Allele origin: germline. Affected: yes. Study: VKGL Data-share Consensus. Not counted in ClinVar's aggregate classification.

Genome Diagnostics Laboratory, Amsterdam University Medical Center
Classification: Benign. Review status: no assertion criteria provided. Collection method: clinical testing. Allele origin: germline. Affected: yes. Study: VKGL Data-share Consensus. Not counted in ClinVar's aggregate classification.

Laboratory of Diagnostic Genome Analysis, Leiden University Medical Center (LUMC)
Classification: Benign. Review status: no assertion criteria provided. Collection method: clinical testing. Allele origin: germline. Affected: yes. Study: VKGL Data-share Consensus. Not counted in ClinVar's aggregate classification.

NM_006218.4(PIK3CA):c.3075C>T (p.Thr1025=)

Gene: PIK3CA (phosphatidylinositol-4,5-bisphosphate 3-kinase catalytic subunit alpha; plus strand). Cytogenetic location: 3q26.32.
Variant type: single nucleotide variant.
Coding change: c.3075C>T on transcript NM_006218.4 (MANE Select); coding-DNA position 3075, C replaced by T.
Protein change: p.Thr1025=; no amino-acid change (threonine 1025 retained).
Molecular consequence: synonymous variant.
Genome position (GRCh38, 1-based): chr3:179,234,232, C>T. VCF-style: chr3-179234232-C-T. GRCh37 (hg19) VCF-style: chr3-178952020-C-T.
Other names: c.3075C>T (NM_006218.3).
Identifiers: ClinVar variation 45468 (VCV000045468.24), dbSNP rs17849079, ClinGen allele CA136376.
Genomic context (GRCh38, chr3:179,234,232, plus strand): 5'-GCTTGGCTCTGGAATGCCAGAACTACAATCTTTTGATGACATTGCATACATTCGAAAGAC[C>T]CTAGCCTTAGATAAAACTGAGCAAGAGGCTTTGGAGTATTTCATGAAACAAATGAATGAT-3'
Protein context (NP_006209.2, residues 1015-1035): SFDDIAYIRK[Thr1025=]LALDKTEQEA